The following is an entry in ClinVar:

ClinVar aggregate classification (germline): Benign. Review status: criteria provided, multiple submitters, no conflicts (2 of 4 stars). 7 submissions from 7 submitters: Benign (7). Last evaluated 2026-02-03.

Conditions:
Autosomal dominant nonsyndromic hearing loss 44. Identifiers: Orphanet 90635, MedGen C1843895, MONDO:0011832, OMIM 607453.

Allele frequency attached by ClinVar (database versions not stated): gnomAD exomes 0.40009 and 0.42745; ExAC 0.42937; gnomAD 0.48503 and 0.49101; ESP Exome Variant Server 0.48839; 1000 Genomes Project 0.50220; TOPMed 0.50308; 1000 Genomes Project 30x 0.51296.
gnomAD v4.1: 658,720 of 1,612,776 alleles (41%); highest among the groups gnomAD compares: African/African-American, 68%; 138,202 homozygotes.

Submissions (7):

Labcorp Genetics (formerly Invitae), Labcorp
Classification: Benign. Last evaluated: 2026-02-03. Review status: criteria provided, single submitter. Criteria: Invitae Variant Classification Sherloc (09022015). Collection method: clinical testing. Allele origin: germline.

Genome-Nilou Lab
Classification: Benign for Autosomal dominant nonsyndromic hearing loss 44. Last evaluated: 2021-07-14. Review status: criteria provided, single submitter. Criteria: ACMG Guidelines, 2015. Collection method: clinical testing. Allele origin: germline. Affected: no.

Mayo Clinic Laboratories, Mayo Clinic
Classification: Benign. Last evaluated: 2019-06-24. Review status: criteria provided, single submitter. Criteria: ACMG Guidelines, 2015. Collection method: clinical testing. Allele origin: germline. Observed: 108 variant alleles.

GeneDx
Classification: Benign. Last evaluated: 2017-05-09. Review status: criteria provided, single submitter. Criteria: GeneDx Variant Classification (06012015). Collection method: clinical testing. Allele origin: germline. Affected: yes.
Comment: This variant is considered likely benign or benign based on one or more of the following criteria: it is a conservative change, it occurs at a poorly conserved position in the protein, it is predicted to be benign by multiple in silico algorithms, and/or has population frequency not consistent with disease.

Laboratory for Molecular Medicine, Mass General Brigham Personalized Medicine
Classification: Benign. Last evaluated: 2012-05-07. Review status: criteria provided, single submitter. Criteria: LMM Criteria. Collection method: clinical testing. Allele origin: germline. Observed: 1,119 variant alleles.
Comment: Lys303Arg in Exon 06 of CCDC50: This variant is not expected to have clinical si gnificance because it has been identified in 39.5% (2771/7020) of European Ameri can chromosomes from a broad population by the NHLBI Exome Sequencing Project (dbSNP rs4677728).

Breakthrough Genomics
Classification: Benign. Review status: criteria provided, single submitter. Criteria: ACMG Guidelines, 2015. Collection method: not provided. Allele origin: germline. Inheritance: Autosomal dominant inheritance. Affected: yes.

PreventionGenetics, part of Exact Sciences
Classification: Benign. Review status: criteria provided, single submitter. Criteria: ACMG Guidelines, 2015. Collection method: clinical testing. Allele origin: germline.

NM_178335.3(CCDC50):c.908A>G (p.Lys303Arg)

Gene: CCDC50 (coiled-coil domain containing 50; plus strand). Cytogenetic location: 3q28.
Variant type: single nucleotide variant.
Coding change: c.908A>G on transcript NM_178335.3 (MANE Select); coding-DNA position 908, A replaced by G.
Protein change: p.Lys303Arg; replaces lysine 303 with arginine.
Molecular consequence: missense variant. On other transcripts: intron variant (1).
Genome position (GRCh38, 1-based): chr3:191,375,521, A>G. VCF-style: chr3-191375521-A-G. GRCh37 (hg19) VCF-style: chr3-191093310-A-G.
Other names: c.449-4638A>G (NM_174908.4); short protein forms K303R.
Identifiers: ClinVar variation 48159 (VCV000048159.17), dbSNP rs4677728, ClinGen allele CA142723.